The following is an entry in ClinVar:

ClinVar aggregate classification (germline): Pathogenic. Review status: criteria provided, multiple submitters, no conflicts (2 of 4 stars). 2 submissions from 2 submitters: Pathogenic (2). Last evaluated 2026-10-01.

Conditions:
Retinoblastoma (RB1). Also called: RETINOBLASTOMA, SOMATIC. Identifiers: Orphanet 790, MedGen C0035335, MeSH D012175, MONDO:0008380, OMIM 180200, HP:0009919. Disease mechanism: loss of function. Inheritance: Both sporadic and heritable forms are tested..

Submissions (2):

St. Jude Molecular Pathology, St. Jude Children's Research Hospital
Classification: Pathogenic for Retinoblastoma. Last evaluated: 2026-10-01. Review status: criteria provided, single submitter. Criteria: St. Jude Assertion Criteria 2020. Collection method: clinical testing. Allele origin: germline.
Comment: The RB1 c.1940_1943del p.(Leu647HisfsTer10) change deletes four nucleotides to cause a frameshift and the creation of a premature stop c odon. This change is predicted to cause protein truncation or absence of protein due to nonsense-mediated decay. This variant has been reported in individuals with retinoblastoma (PMID: 24225018, internal data). This variant is also absent in gnomAD v2.1 .1. In summary, this variant meets criteria to be classified as pathogenic.

Labcorp Genetics (formerly Invitae), Labcorp
Classification: Pathogenic for Retinoblastoma. Last evaluated: 2025-01-30. Review status: criteria provided, single submitter. Criteria: Invitae Variant Classification Sherloc (09022015). Collection method: clinical testing. Allele origin: germline.
Comment: This sequence change creates a premature translational stop signal (p.Leu647Hisfs*10) in the RB1 gene. It is expected to result in an absent or disrupted protein product. Loss-of-function variants in RB1 are known to be pathogenic (PMID: 17096365). This variant is not present in population databases (gnomAD no frequency). This premature translational stop signal has been observed in individual(s) with retinoblastoma (PMID: 24225018). ClinVar contains an entry for this variant (Variation ID: 1448391). For these reasons, this variant has been classified as Pathogenic.

Literature cited by the submitters: PubMed 17096365 (cited by Labcorp Genetics (formerly Invitae), Labcorp); PubMed 24225018 (cited by Labcorp Genetics (formerly Invitae), Labcorp).

NM_000321.3(RB1):c.1940_1943del (p.Leu647fs)

Gene: RB1 (RB transcriptional corepressor 1; plus strand). Cytogenetic location: 13q14.2.
Variant type: Deletion.
Coding change: c.1940_1943del on transcript NM_000321.3 (MANE Select); coding-DNA positions 1940 to 1943, 4 bases deleted (TTTC; older notation c.1940_1943delTTTC).
Protein change: p.Leu647fs; shifts the reading frame from leucine 647.
Molecular consequence: frameshift variant.
Genome position (GRCh38, 1-based): chr13:48,456,329-48,456,332, TTTC deleted; deleting any 4 consecutive bases within chr13:48,456,327-48,456,332 gives the same sequence; the c. name uses the placement nearest the transcript's 3' end. VCF-style (leftmost placement, unchanged base first): chr13-48456326-CTCTT-C. GRCh37 (hg19) VCF-style: chr13-49030462-CTCTT-C.
Other names: c.1940_1943del (NM_000321.2); short protein forms L647fs.
Identifiers: ClinVar variation 1448391 (VCV001448391.7), dbSNP rs2138331576, ClinGen allele CA2573149584.